The following is an entry in ClinVar:

NM_000059.4(BRCA2):c.793+5G>A

Gene: BRCA2 (BRCA2 DNA repair associated; plus strand). Cytogenetic location: 13q13.1.
Variant type: single nucleotide variant.
Coding change: c.793+5G>A on transcript NM_000059.4 (MANE Select); 5 bases into the intron after coding-DNA position 793, G replaced by A.
Molecular consequence: intron variant.
Genome position (GRCh38, 1-based): chr13:32,331,035, G>A. VCF-style: chr13-32331035-G-A. GRCh37 (hg19) VCF-style: chr13-32905172-G-A.
Identifiers: ClinVar variation 483055 (VCV000483055.12), dbSNP rs779282053, ClinGen allele CA6940442.
Genomic context (GRCh38, chr13:32,331,035, plus strand): 5'-TATCGCTTCTGTGACAGACAGTGAAAACACAAATCAAAGAGAAGCTGCAAGTCATGGTAA[G>A]TCCTCTGTTTAGTTGAACTACAGGTTTTTTTGTTGTTGTTGTTTTGATTTTTTTTTTTTG-3'

ClinVar aggregate classification (germline): Conflicting classifications of pathogenicity. Review status: criteria provided, conflicting classifications (1 of 4 stars). 2 submissions from 2 submitters: Uncertain significance (1); Likely benign (1). Last evaluated 2023-12-28.

Conditions:
Hereditary cancer-predisposing syndrome. Also called: Neoplastic Syndromes, Hereditary; Tumor predisposition; Hereditary Cancer Syndrome; Hereditary neoplastic syndrome. Identifiers: Orphanet 140162, MedGen C0027672, MeSH D009386, MONDO:0015356.
Hereditary breast ovarian cancer syndrome. Also called: Hereditary breast and ovarian cancer syndrome; Hereditary breast and ovarian cancer; Hereditary breast and ovarian cancer syndrome (HBOC); Breast and ovarian cancer; Hereditary breast and/or ovarian cancer syndrome; BRCA1- and BRCA2-Associated Hereditary Breast and Ovarian Cancer. Identifiers: Orphanet 145, MedGen C0677776, MeSH D061325, MONDO:0003582. Disease mechanism: loss of function.

Allele frequency attached by ClinVar (database versions not stated): gnomAD exomes below 0.00001; ExAC 0.00001; TOPMed 0.00001.
gnomAD v4.1: 6 of 1,594,790 alleles (0.00038%); highest among the groups gnomAD compares: Non-Finnish European, 0.00052%; no homozygotes.

Submissions (2):

Ambry Genetics
Classification: Uncertain significance for Hereditary cancer-predisposing syndrome. Last evaluated: 2023-12-28. Review status: criteria provided, single submitter. Criteria: Ambry Variant Classification Scheme 2023. Collection method: clinical testing. Allele origin: germline.
Comment: The c.793+5G>A intronic variant results from a G to A substitution 5 nucleotides after coding exon 8 in the BRCA2 gene. This nucleotide position is highly conserved in available vertebrate species. In silico splice site analysis predicts that this alteration will not have any significant effect on splicing. Since supporting evidence is limited at this time, the clinical significance of this alteration remains unclear.

Labcorp Genetics (formerly Invitae), Labcorp
Classification: Likely benign for Hereditary breast ovarian cancer syndrome. Last evaluated: 2023-11-27. Review status: criteria provided, single submitter. Criteria: Invitae Variant Classification Sherloc (09022015). Collection method: clinical testing. Allele origin: germline.